The following is an entry in ClinVar:

NM_003476.5(CSRP3):c.22G>A (p.Ala8Thr)

Gene: CSRP3 (cysteine and glycine rich protein 3; minus strand). Cytogenetic location: 11p15.1.
Variant type: single nucleotide variant.
Coding change: c.22G>A on transcript NM_003476.5 (MANE Select); coding-DNA position 22, G replaced by A.
Protein change: p.Ala8Thr; replaces alanine 8 with threonine.
Molecular consequence: missense variant.
Genome position (GRCh38, 1-based): chr11:19,192,427, C>T on the plus strand (G>A on the coding strand, the complement: CSRP3 is on the minus strand). VCF-style: chr11-19192427-C-T. GRCh37 (hg19) VCF-style: chr11-19213974-C-T.
Other names: c.22G>A, p.Ala8Thr (NM_001369404.1); short protein forms A8T.
Identifiers: ClinVar variation 404174 (VCV000404174.13), dbSNP rs45531937, ClinGen allele CA5916686.
Genomic context (GRCh38, chr11:19,192,427, plus strand): 5'-TTCCATTGCACTGGATTTCTTCTGCATGGTAGACGGTCTTTTCACAGGCTCCACATTTTG[C>T]GCCTCCGCCCCAGTTTGGCATCTTGAAGACTATCTGGTCAAGGTCAAGTCTAAGGGGACA-3'
Protein context (NP_003467.1, residues 1-18): MPNWGGG[Ala8Thr]KCGACEKTVY

ClinVar aggregate classification (germline): Uncertain significance. Review status: criteria provided, multiple submitters, no conflicts (2 of 4 stars). 3 submissions from 3 submitters: Uncertain significance (3). Last evaluated 2024-01-04.

Conditions:
Hypertrophic cardiomyopathy 12. Identifiers: MedGen C2677491, MONDO:0012804, OMIM 612124.
Dilated cardiomyopathy 1M (CMD1M). Identifiers: Orphanet 154, MedGen C1843808, MONDO:0011840, OMIM 607482.

Allele frequency attached by ClinVar (database versions not stated): ExAC 0.00002; gnomAD exomes 0.00002; TOPMed 0.00002; gnomAD 0.00003; ESP Exome Variant Server 0.00008.
gnomAD v4.1: 27 of 1,613,964 alleles (0.0017%); highest among the groups gnomAD compares: African/African-American, 0.008%; no homozygotes.

Submissions (3):

Labcorp Genetics (formerly Invitae), Labcorp
Classification: Uncertain significance for Hypertrophic cardiomyopathy 12; Dilated cardiomyopathy 1M. Last evaluated: 2024-01-04. Review status: criteria provided, single submitter. Criteria: Invitae Variant Classification Sherloc (09022015). Collection method: clinical testing. Allele origin: germline.
Comment: This sequence change replaces alanine, which is neutral and non-polar, with threonine, which is neutral and polar, at codon 8 of the CSRP3 protein (p.Ala8Thr). This variant is present in population databases (rs45531937, gnomAD 0.004%). This variant has not been reported in the literature in individuals affected with CSRP3-related conditions. ClinVar contains an entry for this variant (Variation ID: 404174). An algorithm developed to predict the effect of missense changes on protein structure and function (PolyPhen-2) suggests that this variant¬¨‚Ä†is likely to be tolerated. In summary, the available evidence is currently insufficient to determine the role of this variant in disease. Therefore, it has been classified as a Variant of Uncertain Significance.

GeneDx
Classification: Uncertain significance. Last evaluated: 2023-09-14. Review status: criteria provided, single submitter. Criteria: GeneDx Variant Classification Process June 2021. Collection method: clinical testing. Allele origin: germline. Affected: yes.
Comment: Has not been previously published as pathogenic or benign to our knowledge; Not observed at significant frequency in large population cohorts (gnomAD); In silico analysis supports that this missense variant does not alter protein structure/function

Blueprint Genetics
Classification: Uncertain significance. Last evaluated: 2021-12-15. Review status: criteria provided, single submitter. Criteria: ACMG Guidelines, 2015. Collection method: clinical testing. Allele origin: germline.